The following is an entry in ClinVar:

NM_000503.6(EYA1):c.1476-2A>T

Gene: EYA1 (EYA transcriptional coactivator and phosphatase 1; minus strand). Cytogenetic location: 8q13.3.
Variant type: single nucleotide variant.
Coding change: c.1476-2A>T on transcript NM_000503.6 (MANE Select); the canonical splice acceptor site of the intron before coding-DNA position 1476, A replaced by T.
Molecular consequence: splice acceptor variant.
Genome position (GRCh38, 1-based): chr8:71,215,510, T>A on the plus strand (A>T on the coding strand, the complement: EYA1 is on the minus strand). VCF-style: chr8-71215510-T-A. GRCh37 (hg19) VCF-style: chr8-72127745-T-A.
Other names: c.1455-2A>T (NM_001370336.1); c.1563-2A>T (NM_001370333.1); c.1476-2A>T (NM_001370335.1, NM_001370334.1, NM_172058.4); c.1458-2A>T (NM_172059.5, NM_001288574.2); c.1377-2A>T (NM_001411797.1, NM_172060.4); c.1110-2A>T (NM_001288575.2).
Identifiers: ClinVar variation 1072507 (VCV001072507.9), dbSNP rs2128850357, ClinGen allele CA371466308.

ClinVar aggregate classification (germline): Pathogenic (1 of 4 stars; one submission).

Conditions:
Melnick-Fraser syndrome (BOR). Also called: Branchio-oto-renal syndrome; Branchiootorenal syndrome; Branchiootorenal Syndrome (BORS). Identifiers: Orphanet 107, MedGen C0265234, MONDO:0007029.

Submission:

Labcorp Genetics (formerly Invitae), Labcorp
Classification: Pathogenic for Melnick-Fraser syndrome. Last evaluated: 2020-11-25. Review status: criteria provided, single submitter. Criteria: Invitae Variant Classification Sherloc (09022015). Collection method: clinical testing. Allele origin: germline.
Comment: For these reasons, this variant has been classified as Pathogenic. Donor and acceptor splice site variants typically lead to a loss of protein function (PMID: 16199547), and loss-of-function variants in EYA1 are known to be pathogenic (PMID: 10464653, 18220287). Algorithms developed to predict the effect of sequence changes on RNA splicing suggest that this variant may disrupt the consensus splice site, but this prediction has not been confirmed by published transcriptional studies. Disruption of this splice site has been observed in individual(s) with branchiootorenal syndrome (PMID: 18220287, 21280147). This variant is not present in population databases (ExAC no frequency). This sequence change affects an acceptor splice site in intron 15 of the EYA1 gene. It is expected to disrupt RNA splicing and likely results in an absent or disrupted protein product.

Literature cited by the submitters: PubMed 16199547; PubMed 10464653; PubMed 18220287; PubMed 21280147.